The following is an entry in ClinVar:

NM_000474.4(TWIST1):c.277A>G (p.Ser93Gly)

Gene: TWIST1 (twist family bHLH transcription factor 1; minus strand). Cytogenetic location: 7p21.1.
Variant type: single nucleotide variant.
Coding change: c.277A>G on transcript NM_000474.4 (MANE Select); coding-DNA position 277, A replaced by G.
Protein change: p.Ser93Gly; replaces serine 93 with glycine.
Molecular consequence: missense variant. On other transcripts: non-coding transcript variant (1).
Genome position (GRCh38, 1-based): chr7:19,117,045, T>C on the plus strand (A>G on the coding strand, the complement: TWIST1 is on the minus strand). VCF-style: chr7-19117045-T-C. GRCh37 (hg19) VCF-style: chr7-19156668-T-C.
Other names: c.277A>G (NM_000474.3); short protein forms S93G.
Identifiers: ClinVar variation 1205866 (VCV001205866.11), dbSNP rs925811677, ClinGen allele CA4174525.
Genomic context (GRCh38, chr7:19,117,045, plus strand): 5'-CCATGACCCGCTGCGTCTGCAGCTCCTCGTAAGACTGCGGACTCCCGCCGCCGCTGCTGC[T>C]GCCGCCGCCGCCGCCCGCGCCGCCGCCGCCGCCACAGCCCGCAGACTTCTTGCCGCGCTT-3'
Protein context (NP_000465.1, residues 83-103): GGGGAGGGGG[Ser93Gly]SSGGGSPQSY

ClinVar aggregate classification (germline): Conflicting classifications of pathogenicity. Review status: criteria provided, conflicting classifications (1 of 4 stars). 7 submissions from 7 submitters: Uncertain significance (2); Likely benign (2). 3 of the submissions do not count toward it. Last evaluated 2025-12-23.

Conditions:
Inborn genetic diseases. Identifiers: MedGen C0950123, MeSH D030342.
TWIST1-related craniosynostosis (CRS1). Also called: CRANIOSYNOSTOSIS 1. Identifiers: Orphanet 63440, MedGen C4551902, MONDO:0007399, OMIM 123100. Inheritance: Heterogenous inheritance pattern.
Saethre-Chotzen syndrome (SCS). Also called: ACROCEPHALY, SKULL ASYMMETRY, AND MILD SYNDACTYLY; ACS III; CHOTZEN SYNDROME. Identifiers: Orphanet 794, MedGen C0175699, MONDO:0007042, OMIM 101400.

Allele frequency attached by ClinVar (database versions not stated): ExAC 0.00010; gnomAD exomes 0.00030 and 0.00067; TOPMed 0.00031; gnomAD 0.00039.
gnomAD v4.1: 911 of 1,443,608 alleles (0.063%); highest among the groups gnomAD compares: Non-Finnish European, 0.076%; 1 homozygote.

Submissions (7):

Labcorp Genetics (formerly Invitae), Labcorp
Classification: Uncertain significance for TWIST1-related craniosynostosis; Saethre-Chotzen syndrome. Last evaluated: 2025-12-23. Review status: criteria provided, single submitter. Criteria: Invitae Variant Classification Sherloc (09022015). Collection method: clinical testing. Allele origin: germline.
Comment: This sequence change replaces serine, which is neutral and polar, with glycine, which is neutral and non-polar, at codon 93 of the TWIST1 protein (p.Ser93Gly). The frequency data for this variant in the population databases is considered unreliable, as metrics indicate poor data quality at this position in the gnomAD database. This variant has not been reported in the literature in individuals affected with TWIST1-related conditions. ClinVar contains an entry for this variant (Variation ID: 1205866). An algorithm developed to predict the effect of missense changes on protein structure and function outputs the following: PolyPhen-2: "Not Available". The glycine amino acid residue is found in multiple mammalian species, which suggests that this missense change does not adversely affect protein function. In summary, the available evidence is currently insufficient to determine the role of this variant in disease. Therefore, it has been classified as a Variant of Uncertain Significance.

Blueprint Genetics
Classification: Likely benign. Last evaluated: 2024-11-18. Review status: criteria provided, single submitter. Criteria: ACMG Guidelines, 2015. Collection method: clinical testing. Allele origin: germline.

Ambry Genetics
Classification: Uncertain significance for Inborn genetic diseases. Last evaluated: 2021-07-08. Review status: criteria provided, single submitter. Criteria: Ambry Variant Classification Scheme 2023. Collection method: clinical testing. Allele origin: germline.

Breakthrough Genomics
Classification: Likely benign. Review status: criteria provided, single submitter. Criteria: ACMG Guidelines, 2015. Collection method: not provided. Allele origin: germline. Inheritance: Autosomal dominant inheritance. Affected: yes.

Clinical Genetics DNA and cytogenetics Diagnostics Lab, Erasmus MC, Erasmus Medical Center
Classification: Likely benign. Review status: no assertion criteria provided. Collection method: clinical testing. Allele origin: germline. Affected: yes. Study: VKGL Data-share Consensus. Not counted in ClinVar's aggregate classification.

Genome Diagnostics Laboratory, Amsterdam University Medical Center
Classification: Likely benign. Review status: no assertion criteria provided. Collection method: clinical testing. Allele origin: germline. Affected: yes. Study: VKGL Data-share Consensus. Not counted in ClinVar's aggregate classification.

Laboratory of Diagnostic Genome Analysis, Leiden University Medical Center (LUMC)
Classification: Likely benign. Review status: no assertion criteria provided. Collection method: clinical testing. Allele origin: germline. Affected: yes. Study: VKGL Data-share Consensus. Not counted in ClinVar's aggregate classification.